The following is an entry in ClinVar:

NM_182914.3(SYNE2):c.12350A>G (p.Glu4117Gly)

Gene: SYNE2 (spectrin repeat containing nuclear envelope protein 2; plus strand). Cytogenetic location: 14q23.2.
Variant type: single nucleotide variant.
Coding change: c.12350A>G on transcript NM_182914.3 (MANE Select); coding-DNA position 12350, A replaced by G.
Protein change: p.Glu4117Gly; replaces glutamic acid 4117 with glycine.
Molecular consequence: missense variant.
Genome position (GRCh38, 1-based): chr14:64,098,790, A>G. VCF-style: chr14-64098790-A-G. GRCh37 (hg19) VCF-style: chr14-64565508-A-G.
Other names: c.12350A>G, p.Glu4117Gly (NM_015180.6); short protein forms E4117G.
Identifiers: ClinVar variation 1952559 (VCV001952559.5), dbSNP rs145344879, ClinGen allele CA7222092.
Genomic context (GRCh38, chr14:64,098,790, plus strand): 5'-TGTGCTGTGCCTTTCAGTTGAACAGAAGAGGCTCCATGTCTTACCTGGCAGCAGTCGAGG[A>G]AGAGGTGGAAGAAAGTTCCGTGAAGAGCGATGTAAGGGAAATGATTTTCTTGTTAAAGTT-3'
Protein context (NP_878918.2, residues 4107-4127): GSMSYLAAVE[Glu4117Gly]EVEESSVKSD

ClinVar aggregate classification (germline): Uncertain significance (1 of 4 stars; one submission).

Conditions:
Emery-Dreifuss muscular dystrophy 5, autosomal dominant (EDMD5). Also called: EMERY-DREIFUSS MUSCULAR DYSTROPHY 5. Identifiers: Orphanet 261, MedGen C2751805, MONDO:0013072, OMIM 612999.

Allele frequency attached by ClinVar (database versions not stated): gnomAD exomes below 0.00001; ExAC 0.00002; TOPMed 0.00007; ESP Exome Variant Server 0.00008; gnomAD 0.00008.
gnomAD v4.1: 19 of 1,614,024 alleles (0.0012%); highest among the groups gnomAD compares: African/African-American, 0.023%; no homozygotes.

Submission:

Labcorp Genetics (formerly Invitae), Labcorp
Classification: Uncertain significance for Emery-Dreifuss muscular dystrophy 5, autosomal dominant. Last evaluated: 2025-08-18. Review status: criteria provided, single submitter. Criteria: Invitae Variant Classification Sherloc (09022015). Collection method: clinical testing. Allele origin: germline.
Comment: This sequence change replaces glutamic acid, which is acidic and polar, with glycine, which is neutral and non-polar, at codon 4117 of the SYNE2 protein (p.Glu4117Gly). This variant is present in population databases (rs145344879, gnomAD 0.02%). This variant has not been reported in the literature in individuals affected with SYNE2-related conditions. ClinVar contains an entry for this variant (Variation ID: 1952559). An algorithm developed to predict the effect of missense changes on protein structure and function (PolyPhen-2) suggests that this variant is likely to be disruptive. Algorithms developed to predict the effect of sequence changes on RNA splicing suggest that this variant may disrupt the consensus splice site. In summary, the available evidence is currently insufficient to determine the role of this variant in disease. Therefore, it has been classified as a Variant of Uncertain Significance.